The following is an entry in ClinVar:

NM_030665.4(RAI1):c.1567G>A (p.Asp523Asn)

Gene: RAI1 (retinoic acid induced 1; plus strand). Cytogenetic location: 17p11.2.
Variant type: single nucleotide variant.
Coding change: c.1567G>A on transcript NM_030665.4 (MANE Select); coding-DNA position 1567, G replaced by A.
Protein change: p.Asp523Asn; replaces aspartic acid 523 with asparagine.
Molecular consequence: missense variant.
Genome position (GRCh38, 1-based): chr17:17,794,515, G>A. VCF-style: chr17-17794515-G-A. GRCh37 (hg19) VCF-style: chr17-17697829-G-A.
Other names: c.1567G>A (NM_030665.3); short protein forms D523N.
Identifiers: ClinVar variation 3902205 (VCV003902205.2).

ClinVar aggregate classification (germline): Uncertain significance. Review status: criteria provided, multiple submitters, no conflicts (2 of 4 stars). 2 submissions from 2 submitters: Uncertain significance (2). Last evaluated 2025-06-24.

Conditions:
RAI1-related disorder. Also called: RAI1-related condition.

gnomAD v4.1: 1 of 1,612,460 alleles (0.000062%); highest among the groups gnomAD compares: African/African-American, 0.0013%; no homozygotes.

Submissions (2):

PreventionGenetics, part of Exact Sciences
Classification: Uncertain significance for RAI1-related condition. Last evaluated: 2025-06-24. Review status: criteria provided, single submitter. Criteria: ACMG Guidelines, 2015. Collection method: clinical testing. Allele origin: germline.
Comment: The RAI1 c.1567G>A variant is predicted to result in the amino acid substitution p.Asp523Asn. To our knowledge, this variant has not been reported in the literature. This variant is reported in 0.011% of alleles in individuals of African descent in gnomAD. At this time, the clinical significance of this variant is uncertain due to the absence of conclusive functional and genetic evidence.

Women's Health and Genetics/Laboratory Corporation of America, LabCorp
Classification: Uncertain significance. Last evaluated: 2025-05-14. Review status: criteria provided, single submitter. Criteria: LabCorp Variant Classification Summary - May 2015. Collection method: clinical testing. Allele origin: germline.
Comment: Variant summary: RAI1 c.1567G>A (p.Asp523Asn) results in a conservative amino acid change in the encoded protein sequence. Algorithms developed to predict the effect of missense changes on protein structure and function are either unavailable or do not agree on the potential impact of this missense change. The variant was absent in 246694 control chromosomes. The available data on variant occurrences in the general population are insufficient to allow any conclusion about variant significance. To our knowledge, no occurrence of c.1567G>A in individuals affected with Smith-Magenis Syndrome and no experimental evidence demonstrating its impact on protein function have been reported. No submitters have cited clinical-significance assessments for this variant to ClinVar. Based on the evidence outlined above, the variant was classified as uncertain significance.